The following is an entry in ClinVar:

NM_005732.4(RAD50):c.928A>G (p.Asn310Asp)

Gene: RAD50 (RAD50 double strand break repair protein; plus strand). Cytogenetic location: 5q31.1.
Variant type: single nucleotide variant.
Coding change: c.928A>G on transcript NM_005732.4 (MANE Select); coding-DNA position 928, A replaced by G.
Protein change: p.Asn310Asp; replaces asparagine 310 with aspartic acid.
Molecular consequence: missense variant.
Genome position (GRCh38, 1-based): chr5:132,587,966, A>G. VCF-style: chr5-132587966-A-G. GRCh37 (hg19) VCF-style: chr5-131923658-A-G.
Other names: short protein forms N310D.
Identifiers: ClinVar variation 486240 (VCV000486240.8), dbSNP rs1554098195, ClinGen allele CA360940955.

ClinVar aggregate classification (germline): Uncertain significance. Review status: criteria provided, multiple submitters, no conflicts (2 of 4 stars). 2 submissions from 2 submitters: Uncertain significance (2). Last evaluated 2024-03-06.

Conditions:
Hereditary cancer-predisposing syndrome. Also called: Tumor predisposition; Hereditary Cancer Syndrome; Hereditary neoplastic syndrome; Neoplastic Syndromes, Hereditary. Identifiers: Orphanet 140162, MedGen C0027672, MeSH D009386, MONDO:0015356.

Allele frequency attached by ClinVar (database versions not stated): TOPMed below 0.00001.

Submissions (2):

Labcorp Genetics (formerly Invitae), Labcorp
Classification: Uncertain significance for Hereditary cancer-predisposing syndrome. Last evaluated: 2024-03-06. Review status: criteria provided, single submitter. Criteria: Invitae Variant Classification Sherloc (09022015). Collection method: clinical testing. Allele origin: germline.
Comment: This sequence change replaces asparagine, which is neutral and polar, with aspartic acid, which is acidic and polar, at codon 310 of the RAD50 protein (p.Asn310Asp). This variant is not present in population databases (gnomAD no frequency). This variant has not been reported in the literature in individuals affected with RAD50-related conditions. ClinVar contains an entry for this variant (Variation ID: 486240). Advanced modeling of protein sequence and biophysical properties (such as structural, functional, and spatial information, amino acid conservation, physicochemical variation, residue mobility, and thermodynamic stability) performed at Invitae indicates that this missense variant is not expected to disrupt RAD50 protein function with a negative predictive value of 80%. In summary, the available evidence is currently insufficient to determine the role of this variant in disease. Therefore, it has been classified as a Variant of Uncertain Significance.

Ambry Genetics
Classification: Uncertain significance for Hereditary cancer-predisposing syndrome. Last evaluated: 2019-07-03. Review status: criteria provided, single submitter. Criteria: Ambry Variant Classification Scheme 2023. Collection method: clinical testing. Allele origin: germline.
Comment: The p.N310D variant (also known as c.928A>G), located in coding exon 7 of the RAD50 gene, results from an A to G substitution at nucleotide position 928. The asparagine at codon 310 is replaced by aspartic acid, an amino acid with highly similar properties. This amino acid position is well conserved in available vertebrate species. In addition, this alteration is predicted to be tolerated by in silico analysis. Since supporting evidence is limited at this time, the clinical significance of this alteration remains unclear.